The following is an entry in ClinVar:

NM_001009944.3(PKD1):c.4590G>C (p.Trp1530Cys)

Gene: PKD1 (polycystin 1, transient receptor potential channel interacting; minus strand). Cytogenetic location: 16p13.3.
Variant type: single nucleotide variant.
Coding change: c.4590G>C on transcript NM_001009944.3 (MANE Select); coding-DNA position 4590, G replaced by C.
Protein change: p.Trp1530Cys; replaces tryptophan 1530 with cysteine.
Molecular consequence: missense variant.
Genome position (GRCh38, 1-based): chr16:2,110,577, C>G on the plus strand (G>C on the coding strand, the complement: PKD1 is on the minus strand). VCF-style: chr16-2110577-C-G. GRCh37 (hg19) VCF-style: chr16-2160578-C-G.
Other names: c.4590G>C, p.Trp1530Cys (NM_000296.4); short protein forms W1530C.
Identifiers: ClinVar variation 2628850 (VCV002628850.1), dbSNP rs996127355, ClinGen allele CA276781856.

ClinVar aggregate classification (germline): Uncertain significance (1 of 4 stars; one submission).

Conditions:
PKD1-related disorder. Also called: PKD1-related condition.

Allele frequency attached by ClinVar (database versions not stated): gnomAD exomes below 0.00001; TOPMed 0.00001.
gnomAD v4.1: 3 of 1,611,094 alleles (0.00019%); highest among the groups gnomAD compares: Non-Finnish European, 0.00025%; no homozygotes.

Submission:

PreventionGenetics, part of Exact Sciences
Classification: Uncertain significance for PKD1-related condition. Last evaluated: 2022-12-21. Review status: criteria provided, single submitter. Criteria: ACMG Guidelines, 2015. Collection method: clinical testing. Allele origin: germline.
Comment: The PKD1 c.4590G>C variant is predicted to result in the amino acid substitution p.Trp1530Cys. To our knowledge, this variant has not been reported in the literature. This variant is reported in 0.0018% of alleles in individuals of European (Non-Finnish) descent in gnomAD. At this time, the clinical significance of this variant is uncertain due to the absence of conclusive functional and genetic evidence.